The following is an entry in ClinVar:

ClinVar aggregate classification (germline): Uncertain significance (1 of 4 stars; one submission).

Submission:

GeneDx
Classification: Uncertain significance. Last evaluated: 2025-05-01. Review status: criteria provided, single submitter. Criteria: GeneDx Variant Classification Process June 2021. Collection method: clinical testing. Allele origin: germline. Affected: yes.
Comment: Not observed at significant frequency in large population cohorts (gnomAD); In silico analysis supports that this missense variant has a deleterious effect on protein structure/function; Has not been previously published as pathogenic or benign to our knowledge

NM_000168.6(GLI3):c.4619C>G (p.Thr1540Arg)

Gene: GLI3 (GLI family zinc finger 3; minus strand). Cytogenetic location: 7p14.1.
Variant type: single nucleotide variant.
Coding change: c.4619C>G on transcript NM_000168.6 (MANE Select); coding-DNA position 4619, C replaced by G.
Protein change: p.Thr1540Arg; replaces threonine 1540 with arginine.
Molecular consequence: missense variant.
Genome position (GRCh38, 1-based): chr7:41,964,454, G>C on the plus strand (C>G on the coding strand, the complement: GLI3 is on the minus strand). VCF-style: chr7-41964454-G-C. GRCh37 (hg19) VCF-style: chr7-42004052-G-C.
Other names: short protein forms T1540R.
Identifiers: ClinVar variation 4527712 (VCV004527712.1).